The following is an entry in ClinVar:

ClinVar aggregate classification (germline): Conflicting classifications of pathogenicity. Review status: criteria provided, conflicting classifications (1 of 4 stars). 3 submissions from 3 submitters: Uncertain significance (1); Likely benign (2). Last evaluated 2026-01-06.

Conditions:
Hypertrophic cardiomyopathy. Also called: HYPERTROPHIC MYOCARDIOPATHY. Identifiers: Orphanet 217569, MedGen C0007194, MeSH D002312, MONDO:0005045, HP:0001639.
Cardiomyopathy (CMYO). Also called: Cardiomyopathies. Identifiers: Orphanet 167848, MedGen C0878544, MONDO:0004994, HP:0001638. Inheritance: Various modes of inheritance.
Cardiovascular phenotype. Identifiers: MedGen CN230736.

Submissions (3):

Ambry Genetics
Classification: Likely benign for Cardiovascular phenotype. Last evaluated: 2026-01-06. Review status: criteria provided, single submitter. Criteria: Ambry Variant Classification Scheme 2023. Collection method: clinical testing. Allele origin: germline.

Labcorp Genetics (formerly Invitae), Labcorp
Classification: Likely benign for Hypertrophic cardiomyopathy. Last evaluated: 2025-09-24. Review status: criteria provided, single submitter. Criteria: Invitae Variant Classification Sherloc (09022015). Collection method: clinical testing. Allele origin: germline.

All of Us Research Program, National Institutes of Health
Classification: Uncertain significance for Cardiomyopathy. Last evaluated: 2023-05-16. Review status: criteria provided, single submitter. Criteria: ACMG Guidelines, 2015. Collection method: clinical testing. Allele origin: germline. Inheritance: Autosomal dominant inheritance. Observed: 1 variant allele, 1 heterozygote.
Comment: This variant is located in the MYH7 protein. To our knowledge, functional studies have not been reported for this variant. This variant has not been reported in individuals affected with MYH7-related disorders in the literature. This variant has not been identified in the general population by the Genome Aggregation Database (gnomAD). The available evidence is insufficient to determine the role of this variant in disease conclusively. Therefore, this variant is classified as a Variant of Uncertain Significance.

This study involves interpretation of variants in research participants for the purpose of population health screening. Participant phenotype was not available at the time of variant classification. Additional details can be found in publication PMID: 35346344, PMCID: PMC8962531

NM_000257.4(MYH7):c.4404G>A (p.Glu1468=)

Genes: MHRT (myosin heavy chain associated RNA transcript; plus strand), MYH7 (myosin heavy chain 7; minus strand). Cytogenetic location: 14q11.2.
Variant type: single nucleotide variant.
Coding change: c.4404G>A on transcript NM_000257.4 (MANE Select); coding-DNA position 4404, G replaced by A.
Protein change: p.Glu1468=; no amino-acid change (glutamic acid 1468 retained).
Molecular consequence: synonymous variant. On other transcripts: non-coding transcript variant (1).
Genome position (GRCh38, 1-based): chr14:23,417,268, C>T on the plus strand (G>A on the coding strand, the complement: MYH7 is on the minus strand). VCF-style: chr14-23417268-C-T. GRCh37 (hg19) VCF-style: chr14-23886477-C-T.
Other names: c.4404G>A, p.Glu1468= (NM_001407004.1).
Identifiers: ClinVar variation 1918655 (VCV001918655.7), dbSNP rs1892256928, ClinGen allele CA485617543.